The following is an entry in ClinVar:

ClinVar aggregate classification (germline): Likely benign. Review status: criteria provided, multiple submitters, no conflicts (2 of 4 stars). 3 submissions from 3 submitters: Likely benign (2). 1 of the submissions does not count toward it. Last evaluated 2025-08-03.

Conditions:
Retinitis pigmentosa 71 (RP71). Identifiers: Orphanet 791, MedGen C4225342, MONDO:0014618, OMIM 616394.
Short-rib thoracic dysplasia 10 with or without polydactyly (SRTD10). Identifiers: Orphanet 474, MedGen C3810175, MONDO:0014284, OMIM 615630.
IFT172-related disorder. Also called: IFT172-related disorders; IFT172-related condition.

Allele frequency attached by ClinVar (database versions not stated): TOPMed 0.00001; ExAC 0.00002; gnomAD exomes 0.00003.
gnomAD v4.1: 36 of 1,613,822 alleles (0.0022%); highest among the groups gnomAD compares: Non-Finnish European, 0.0028%; no homozygotes.

Submissions (3):

Labcorp Genetics (formerly Invitae), Labcorp
Classification: Likely benign for Retinitis pigmentosa 71; Short-rib thoracic dysplasia 10 with or without polydactyly. Last evaluated: 2025-08-03. Review status: criteria provided, single submitter. Criteria: Invitae Variant Classification Sherloc (09022015). Collection method: clinical testing. Allele origin: germline.

Blueprint Genetics
Classification: Likely benign. Last evaluated: 2022-09-08. Review status: criteria provided, single submitter. Criteria: ACMG Guidelines, 2015. Collection method: clinical testing. Allele origin: germline.

PreventionGenetics, part of Exact Sciences
Classification: Likely benign for IFT172-related condition. Last evaluated: 2020-03-17. Review status: no assertion criteria provided. Collection method: clinical testing. Allele origin: germline. Not counted in ClinVar's aggregate classification.
Comment: This variant is classified as likely benign based on ACMG/AMP sequence variant interpretation guidelines (Richards et al. 2015 PMID: 25741868, with internal and published modifications).

NM_015662.3(IFT172):c.4131G>A (p.Ala1377=)

Gene: IFT172 (intraflagellar transport 172; minus strand). Cytogenetic location: 2p23.3.
Variant type: single nucleotide variant.
Coding change: c.4131G>A on transcript NM_015662.3 (MANE Select); coding-DNA position 4131, G replaced by A.
Protein change: p.Ala1377=; no amino-acid change (alanine 1377 retained).
Molecular consequence: synonymous variant.
Genome position (GRCh38, 1-based): chr2:27,449,720, C>T on the plus strand (G>A on the coding strand, the complement: IFT172 is on the minus strand). VCF-style: chr2-27449720-C-T. GRCh37 (hg19) VCF-style: chr2-27672587-C-T.
Other names: c.4065G>A, p.Ala1355= (NM_001410739.1); c.4131G>A (NM_015662.2).
Identifiers: ClinVar variation 2417143 (VCV002417143.10), dbSNP rs753976145, ClinGen allele CA1579715.
Genomic context (GRCh38, chr2:27,449,720, plus strand): 5'-ATTTCGCAGTAAGAAGGGGTTACAAGCTTACCTGGGATCTAACTCCTTAGCTACACGCTT[C>T]GCCTTGTTCCACTCCTCACCCTCGATGAAAGCATCGATTGCTTCCTTGACAAGGTCCAGA-3'
Protein context (NP_056477.1, residues 1367-1387): AFIEGEEWNK[Ala1377=]KRVAKELDPR